The following is an entry in ClinVar:

NM_001040108.2(MLH3):c.2706A>G (p.Ser902=)

Gene: MLH3 (mutL homolog 3; minus strand). Cytogenetic location: 14q24.3.
Variant type: single nucleotide variant.
Coding change: c.2706A>G on transcript NM_001040108.2 (MANE Select); coding-DNA position 2706, A replaced by G.
Protein change: p.Ser902=; no amino-acid change (serine 902 retained).
Molecular consequence: synonymous variant.
Genome position (GRCh38, 1-based): chr14:75,046,950, T>C on the plus strand (A>G on the coding strand, the complement: MLH3 is on the minus strand). VCF-style: chr14-75046950-T-C. GRCh37 (hg19) VCF-style: chr14-75513653-T-C.
Other names: c.2706A>G, p.Ser902= (NM_014381.3).
Identifiers: ClinVar variation 3396743 (VCV003396743.2).

ClinVar aggregate classification (germline): Benign/Likely benign. Review status: criteria provided, multiple submitters, no conflicts (2 of 4 stars). 2 submissions from 2 submitters: Benign (1); Likely benign (1). Last evaluated 2026-05-05.

Conditions:
Colorectal cancer, hereditary nonpolyposis, type 7. Identifiers: Orphanet 144, MedGen C1858380, MONDO:0013725, OMIM 614385.

Submissions (2):

Myriad Genetics, Inc.
Classification: Benign for Colorectal cancer, hereditary nonpolyposis, type 7. Last evaluated: 2026-05-05. Review status: criteria provided, single submitter. Criteria: Myriad Autosomal Dominant, Autosomal Recessive and X-Linked Classification Criteria (2023). Collection method: clinical testing. Allele origin: unknown.
Comment: This variant is considered benign. This variant is a silent/synonymous amino acid change and it is not expected to impact splicing.

Ambry Genetics
Classification: Likely benign. Last evaluated: 2024-10-11. Review status: criteria provided, single submitter. Criteria: Ambry Variant Classification Scheme 2023. Collection method: clinical testing. Allele origin: germline.